The following is an entry in ClinVar:

NM_001927.4(DES):c.542_550del (p.Asp181_Leu184delinsVal)

Gene: DES (desmin; plus strand). Cytogenetic location: 2q35.
Variant type: Deletion.
Coding change: c.542_550del on transcript NM_001927.4 (MANE Select); coding-DNA positions 542 to 550, 9 bases deleted (ACAACCTGC; older notation c.542_550delACAACCTGC).
Protein change: p.Asp181_Leu184delinsVal.
Molecular consequence: inframe indel. On other transcripts: intron variant (1).
Genome position (GRCh38, 1-based): chr2:219,419,004-219,419,012, ACAACCTGC deleted. VCF-style (leftmost placement, unchanged base first): chr2-219419003-GACAACCTGC-G. GRCh37 (hg19) VCF-style: chr2-220283725-GACAACCTGC-G.
Other names: c.542_550del, p.Asp181_Leu184delinsVal (NM_001382708.1, NM_001382709.1, NM_001382710.1 and 2 more transcripts); c.495+47_495+55del (NM_001382713.1).
Identifiers: ClinVar variation 1747444 (VCV001747444.2), dbSNP rs2545248367, ClinGen allele CA2580065797.

ClinVar aggregate classification (germline): Uncertain significance (1 of 4 stars; one submission).

Conditions:
Cardiovascular phenotype. Identifiers: MedGen CN230736.

Submission:

Ambry Genetics
Classification: Uncertain significance for Cardiovascular phenotype. Last evaluated: 2022-04-18. Review status: criteria provided, single submitter. Criteria: Ambry Variant Classification Scheme 2023. Collection method: clinical testing. Allele origin: germline.
Comment: The c.542_550delACAACCTGC variant (also known as p.D181_L184delinsV) is located in coding exon 1 of the DES gene. This variant results from an in-frame ACAACCTGC deletion at nucleotide positions 542 to 550. The four amino acids at codons 181_184 are replaced by a single valine substitution. This amino acid region is well conserved in available vertebrate species. In addition, this alteration is predicted to be deleterious by in silico analysis (Choi Y et al. PLoS ONE. 2012; 7(10):e46688). Since supporting evidence is limited at this time, the clinical significance of this alteration remains unclear.